The following is an entry in ClinVar:

NM_000748.3(CHRNB2):c.488C>T (p.Pro163Leu)

Gene: CHRNB2 (cholinergic receptor nicotinic beta 2 subunit; plus strand). Cytogenetic location: 1q21.3.
Variant type: single nucleotide variant.
Coding change: c.488C>T on transcript NM_000748.3 (MANE Select); coding-DNA position 488, C replaced by T.
Protein change: p.Pro163Leu; replaces proline 163 with leucine.
Molecular consequence: missense variant.
Genome position (GRCh38, 1-based): chr1:154,571,311, C>T. VCF-style: chr1-154571311-C-T. GRCh37 (hg19) VCF-style: chr1-154543787-C-T.
Other names: short protein forms P163L.
Identifiers: ClinVar variation 4976455 (VCV004976455.1).
Genomic context (GRCh38, chr1:154,571,311, plus strand): 5'-TCTTCTGGCTGCCGCCTGCCATCTACAAGAGCGCATGCAAGATTGAAGTAAAGCACTTCC[C>T]ATTTGACCAGCAGAACTGCACCATGAAGTTCCGTTCGTGGACCTACGACCGCACAGAGAT-3'
Protein context (NP_000739.1, residues 153-173): SACKIEVKHF[Pro163Leu]FDQQNCTMKF

ClinVar aggregate classification (germline): Uncertain significance (1 of 4 stars; one submission).

gnomAD v4.1: 3 of 1,614,118 alleles (0.00019%); highest among the groups gnomAD compares: African/African-American, 0.0027%; no homozygotes.

Submission:

GeneDx
Classification: Uncertain significance. Last evaluated: 2026-02-15. Review status: criteria provided, single submitter. Criteria: GeneDx Variant Classification Process June 2021. Collection method: clinical testing. Allele origin: germline.
Comment: In silico analysis supports that this missense variant has a deleterious effect on protein structure/function; Has not been previously published as pathogenic or benign to our knowledge